The following is an entry in ClinVar:

NC_000014.8:g.(?_64375867)_(64375965_?)del

Gene: SYNE2 (spectrin repeat containing nuclear envelope protein 2; plus strand). Cytogenetic location: 14q23.2.
Variant type: Deletion.
Identifiers: ClinVar variation 1441915 (VCV001441915.5).

ClinVar aggregate classification (germline): Uncertain significance (1 of 4 stars; one submission).

Conditions:
Emery-Dreifuss muscular dystrophy 5, autosomal dominant (EDMD5). Also called: EMERY-DREIFUSS MUSCULAR DYSTROPHY 5. Identifiers: Orphanet 261, MedGen C2751805, MONDO:0013072, OMIM 612999.

Submission:

Labcorp Genetics (formerly Invitae), Labcorp
Classification: Uncertain significance for Emery-Dreifuss muscular dystrophy 5, autosomal dominant. Last evaluated: 2022-10-05. Review status: criteria provided, single submitter. Criteria: Invitae Variant Classification Sherloc (09022015). Collection method: clinical testing. Allele origin: germline.
Comment: In summary, the available evidence is currently insufficient to determine the role of this variant in disease. Therefore, it has been classified as a Variant of Uncertain Significance. This variant has not been reported in the literature in individuals affected with SYNE2-related conditions. This variant is a gross deletion of the genomic region encompassing exon(s) 2 of the SYNE2 gene, which includes the initiator codon. This deletion extends beyond the assayed region for this gene and therefore may encompass additional genes. It is expected to result in an absent or disrupted protein product. However, the current clinical and genetic evidence is not sufficient to establish whether loss-of-function variants in SYNE2 cause disease.